The following is an entry in ClinVar:

ClinVar aggregate classification (germline): Uncertain significance (1 of 4 stars; one submission).

Conditions:
Primary familial hypertrophic cardiomyopathy (HCM). Identifiers: Orphanet 99739, MedGen C0949658, MeSH D024741, MONDO:0024573. Inheritance: Various modes of inheritance.
Hypertrophic cardiomyopathy 25 (CMH25). Also called: CARDIOMYOPATHY, FAMILIAL HYPERTROPHIC, 25. Identifiers: MedGen C4225408, MONDO:0011843, OMIM 607487.

Allele frequency attached by ClinVar (database versions not stated): gnomAD exomes below 0.00001.

Submission:

Labcorp Genetics (formerly Invitae), Labcorp
Classification: Uncertain significance for Hypertrophic cardiomyopathy 25; Primary familial hypertrophic cardiomyopathy. Last evaluated: 2024-01-31. Review status: criteria provided, single submitter. Criteria: Invitae Variant Classification Sherloc (09022015). Collection method: clinical testing. Allele origin: germline.
Comment: This sequence change results in a frameshift in the TCAP gene (p.Glu135Argfs*53). While this is not anticipated to result in nonsense mediated decay, it is expected to disrupt the last 33 amino acid(s) of the TCAP protein and extend the protein by 19 additional amino acid residues. This variant is not present in population databases (gnomAD no frequency). This variant has not been reported in the literature in individuals affected with TCAP-related conditions. Experimental studies and prediction algorithms are not available or were not evaluated, and the functional significance of this variant is currently unknown. In summary, the available evidence is currently insufficient to determine the role of this variant in disease. Therefore, it has been classified as a Variant of Uncertain Significance.

NM_003673.4(TCAP):c.402del (p.Glu135fs)

Gene: TCAP (titin-cap; plus strand). Cytogenetic location: 17q12.
Variant type: Deletion.
Coding change: c.402del on transcript NM_003673.4 (MANE Select); coding-DNA position 402, one base deleted (T; older notation c.402delT).
Protein change: p.Glu135fs; shifts the reading frame from glutamic acid 135.
Molecular consequence: frameshift variant.
Genome position (GRCh38, 1-based): chr17:39,666,007, T deleted. VCF-style (leftmost placement, unchanged base first): chr17-39666006-CT-C. GRCh37 (hg19) VCF-style: chr17-37822259-CT-C.
Other names: short protein forms E135fs.
Identifiers: ClinVar variation 2929621 (VCV002929621.3), dbSNP rs2543740054, ClinGen allele CA2637633082.